The following is an entry in ClinVar:

ClinVar aggregate classification (germline): Likely pathogenic. Review status: reviewed by expert panel (3 of 4 stars). 3 submissions from 3 submitters: Likely pathogenic (1). 2 of the submissions do not count toward it. Last evaluated 2025-04-01.

Conditions:
Von Willebrand disease type 2B. Identifiers: Orphanet 166087, MedGen C1282971, MONDO:0015629.

Submissions (3):

ClinGen von Willebrand Disease Variant Curation Expert Panel, ClinGen
Classification: Likely pathogenic for Von Willebrand disease type 2B. Last evaluated: 2025-04-01. Review status: reviewed by expert panel. Criteria: ClinGen VWD 2A B M Rules. Collection method: curation. Allele origin: germline. Inheritance: Autosomal dominant inheritance.
Comment: The p.Trp1313Cys variant has a REVEL score of 0.629, which is below the VWD VCEP threshold of > 0.644 and therefore, the variant does not predict a damaging effect on VWF function. The variant is absent from gnomADv4, thus, meeting PM2_Supporting criteria. There is at least one proband with the variant exhibiting a risk of excessive bleeding, RIPA assay showing GOF, and a loss of HMWM which is consistent with VWD type 2B (PP4_Moderate). This patient is also a carrier for the p.Val1565Leu variant (PMID: 35772170) which has been classified as Benign by the VWD VCEP. "Genotyping previously confirmed the diagnosis in each patient with type 2B VWD" (PMID: 35772170). Functional data demonstrated that mammalian CHO-K1 cells transfected with mutant plasmid (p.W1313C) exhibited a 10-fold affinity to GPIb in the presence of ristocetin compared to wildtype cells (PMID: 2011604) (PS3). This variant has been reported in at least 1 additional proband meeting PP4 laboratory phenotype criteria (PS4_supporting); PMIDs: 31939074. Taken together, the variant has been classified as likely pathogenic for VWD type 2B by the Von Willebrand Disease variant curation expert panel. PP4_Moderate, PM2_Supporting, PS3, PS4_Supporting.

OMIM
Classification: Pathogenic for VON WILLEBRAND DISEASE, TYPE 2B. Last evaluated: 2010-05-01. Review status: no assertion criteria provided. Collection method: literature only. Allele origin: germline. Not counted in ClinVar's aggregate classification.

Academic Unit of Haematology, University of Sheffield
No classification provided. Review status: no classification provided. Collection method: not provided. Allele origin: not provided. Not counted in ClinVar's aggregate classification.

Literature cited by the submitters: PubMed 20409624 (cited by OMIM); PubMed 3132965 (cited by OMIM); PubMed 2011604 (cited by OMIM).

NM_000552.5(VWF):c.3939G>C (p.Trp1313Cys)

Gene: VWF (von Willebrand factor; minus strand). Cytogenetic location: 12p13.31.
Variant type: single nucleotide variant.
Coding change: c.3939G>C on transcript NM_000552.5 (MANE Select); coding-DNA position 3939, G replaced by C.
Protein change: p.Trp1313Cys; replaces tryptophan 1313 with cysteine.
Molecular consequence: missense variant.
Genome position (GRCh38, 1-based): chr12:6,019,479, C>G on the plus strand (G>C on the coding strand, the complement: VWF is on the minus strand). VCF-style: chr12-6019479-C-G. GRCh37 (hg19) VCF-style: chr12-6128645-C-G.
Other names: NM_000552.5(VWF):c.3939G>C; short protein forms W1313C.
Identifiers: ClinVar variation 287 (VCV000000287.2), dbSNP rs61749392, ClinGen allele CA114121.
Genomic context (GRCh38, chr12:6,019,479, plus strand): 5'-GTCCTTGAGCCCGATGTAGGCGTGGGAGCCGTCGTGGTACTCCACCACGGCCACGCGGAC[C>G]CACTTCTGGGAGATGCGCAGCCGCTCCATCATGTCCACCACAAAGGCCTTCAGCACTTCA-3'
Protein context (NP_000543.3, residues 1303-1323): MMERLRISQK[Trp1313Cys]VRVAVVEYHD